The following is an entry in ClinVar:

NM_001089.3(ABCA3):c.455A>G (p.Tyr152Cys)

Gene: ABCA3 (ATP binding cassette subfamily A member 3; minus strand). Cytogenetic location: 16p13.3.
Variant type: single nucleotide variant.
Coding change: c.455A>G on transcript NM_001089.3 (MANE Select); coding-DNA position 455, A replaced by G.
Protein change: p.Tyr152Cys; replaces tyrosine 152 with cysteine.
Molecular consequence: missense variant.
Genome position (GRCh38, 1-based): chr16:2,323,681, T>C on the plus strand (A>G on the coding strand, the complement: ABCA3 is on the minus strand). VCF-style: chr16-2323681-T-C. GRCh37 (hg19) VCF-style: chr16-2373682-T-C.
Other names: short protein forms Y152C.
Identifiers: ClinVar variation 4809458 (VCV004809458.1).

ClinVar aggregate classification (germline): Uncertain significance (1 of 4 stars; one submission).

gnomAD v4.1: 2 of 1,614,114 alleles (0.00012%); highest among the groups gnomAD compares: African/African-American, 0.0027%; no homozygotes.

Submission:

Labcorp Genetics (formerly Invitae), Labcorp
Classification: Uncertain significance. Last evaluated: 2025-06-17. Review status: criteria provided, single submitter. Criteria: Invitae Variant Classification Sherloc (09022015). Collection method: clinical testing. Allele origin: germline.
Comment: This sequence change replaces tyrosine, which is neutral and polar, with cysteine, which is neutral and slightly polar, at codon 152 of the ABCA3 protein (p.Tyr152Cys). This variant is not present in population databases (gnomAD no frequency). This variant has not been reported in the literature in individuals affected with ABCA3-related conditions. Invitae Evidence Modeling of protein sequence and biophysical properties (such as structural, functional, and spatial information, amino acid conservation, physicochemical variation, residue mobility, and thermodynamic stability) indicates that this missense variant is expected to disrupt ABCA3 protein function with a positive predictive value of 80%. In summary, the available evidence is currently insufficient to determine the role of this variant in disease. Therefore, it has been classified as a Variant of Uncertain Significance.